The following is an entry in ClinVar:

NM_000536.4(RAG2):c.1348del (p.Asp450fs)

Gene: RAG2 (recombination activating 2; minus strand). Cytogenetic location: 11p12.
Variant type: Deletion.
Coding change: c.1348del on transcript NM_000536.4 (MANE Select); coding-DNA position 1348, one base deleted (G; older notation c.1348delG).
Protein change: p.Asp450fs; shifts the reading frame from aspartic acid 450.
Molecular consequence: frameshift variant.
Genome position (GRCh38, 1-based): chr11:36,592,821, C deleted on the plus strand (G on the coding strand, the reverse complement: RAG2 is on the minus strand); the first of 4 consecutive C bases (chr11:36,592,821-36,592,824); deleting any one gives the same sequence. VCF-style (leftmost placement, unchanged base first): chr11-36592820-TC-T. GRCh37 (hg19) VCF-style: chr11-36614370-TC-T.
Other names: c.1348del, p.Asp450fs (NM_001243785.2, NM_001243786.2); short protein forms D450fs.
Identifiers: ClinVar variation 2020432 (VCV002020432.4), dbSNP rs2494787994, ClinGen allele CA2574801166.

ClinVar aggregate classification (germline): Pathogenic (1 of 4 stars; one submission).

Conditions:
Severe combined immunodeficiency, autosomal recessive, T cell-negative, B cell-negative, NK cell-positive. Also called: SCID, T CELL-NEGATIVE, B CELL-NEGATIVE, NK CELL-POSITIVE; SCID, AR, T-cell negative, B-cell negative, NK cell-positive; Severe combined immunodeficiency due to complete RAG1/2 deficiency. Identifiers: Orphanet 331206, MedGen C1832322, MONDO:0011086, OMIM 601457.
Combined immunodeficiency with skin granulomas. Identifiers: Orphanet 157949, MedGen C2673536, MONDO:0009306, OMIM 233650.

Submission:

Labcorp Genetics (formerly Invitae), Labcorp
Classification: Pathogenic for Combined immunodeficiency with skin granulomas; Severe combined immunodeficiency, autosomal recessive, T cell-negative, B cell-negative, NK cell-positive. Last evaluated: 2025-07-08. Review status: criteria provided, single submitter. Criteria: Invitae Variant Classification Sherloc (09022015). Collection method: clinical testing. Allele origin: germline.
Comment: This sequence change creates a premature translational stop signal (p.Asp450Metfs*35) in the RAG2 gene. While this is not anticipated to result in nonsense mediated decay, it is expected to disrupt the last 78 amino acid(s) of the RAG2 protein. This variant is not present in population databases (gnomAD no frequency). This variant has not been reported in the literature in individuals affected with RAG2-related conditions. ClinVar contains an entry for this variant (Variation ID: 2020432). This variant disrupts a region of the RAG2 protein in which other variant(s) (p.Glu480*) have been determined to be pathogenic (PMID: 21624848, 29772310). This suggests that this is a clinically significant region of the protein, and that variants that disrupt it are likely to be disease-causing. For these reasons, this variant has been classified as Pathogenic.

Literature cited by the submitters: PubMed 21624848; PubMed 29772310.